The following is an entry in ClinVar:

ClinVar aggregate classification (germline): Uncertain significance. Review status: criteria provided, multiple submitters, no conflicts (2 of 4 stars). 4 submissions from 4 submitters: Uncertain significance (3). 1 of the submissions does not count toward it. Last evaluated 2025-08-04.

Conditions:
Hereditary cancer-predisposing syndrome. Also called: Hereditary Cancer Syndrome; Hereditary neoplastic syndrome; Neoplastic Syndromes, Hereditary; Tumor predisposition. Identifiers: Orphanet 140162, MedGen C0027672, MeSH D009386, MONDO:0015356.
Prostate cancer, hereditary, 1 (HPC1). Identifiers: Orphanet 1331, MedGen C4722327, MONDO:0011098, OMIM 601518.

Submissions (4):

Dasa
Classification: Uncertain significance. Last evaluated: 2025-08-04. Review status: criteria provided, single submitter. Criteria: DASA Assertion Criteria. Collection method: clinical testing. Allele origin: germline.
Comment: NM_006361.6(HOXB13):c.170C>T (p.Ala57Val) is a missense variant that results in the substitution of alanine with valine. This variant is absent from population databases. Computational prediction algorithms are consistent with a benign effect. The currently available literature and clinical evidence are not sufficient to establish a definitive association between this variant and the reported condition. Therefore, this variant is classified as a variant of uncertain significance.

Labcorp Genetics (formerly Invitae), Labcorp
Classification: Uncertain significance. Last evaluated: 2025-07-30. Review status: criteria provided, single submitter. Criteria: Invitae Variant Classification Sherloc (09022015). Collection method: clinical testing. Allele origin: germline.
Comment: This sequence change replaces alanine, which is neutral and non-polar, with valine, which is neutral and non-polar, at codon 57 of the HOXB13 protein (p.Ala57Val). This variant is not present in population databases (gnomAD no frequency). This variant has not been reported in the literature in individuals affected with HOXB13-related conditions. ClinVar contains an entry for this variant (Variation ID: 690589). An algorithm developed to predict the effect of missense changes on protein structure and function (PolyPhen-2) suggests that this variant is likely to be tolerated. In summary, the available evidence is currently insufficient to determine the role of this variant in disease. Therefore, it has been classified as a Variant of Uncertain Significance.

Ambry Genetics
Classification: Uncertain significance for Hereditary cancer-predisposing syndrome. Last evaluated: 2024-03-03. Review status: criteria provided, single submitter. Criteria: Ambry Variant Classification Scheme 2023. Collection method: clinical testing. Allele origin: germline.
Comment: The p.A57V variant (also known as c.170C>T), located in coding exon 1 of the HOXB13 gene, results from a C to T substitution at nucleotide position 170. The alanine at codon 57 is replaced by valine, an amino acid with similar properties. This amino acid position is not well conserved in available vertebrate species. In addition, this alteration is predicted to be tolerated by in silico analysis. Since supporting evidence is limited at this time, the clinical significance of this alteration remains unclear.

Laboratory of Virology, Microbiology,  Quality and Medical Biotechnologies, Faculty of Sciences and Techniques - Mohammedia, Hassan II University of Casablanca
Classification: Uncertain significance for Prostate cancer, hereditary, 1. Review status: no assertion criteria provided. Collection method: clinical testing. Allele origin: somatic. Affected: yes. Not counted in ClinVar's aggregate classification.

NM_006361.6(HOXB13):c.170C>T (p.Ala57Val)

Gene: HOXB13 (homeobox B13; minus strand). Cytogenetic location: 17q21.32.
Variant type: single nucleotide variant.
Coding change: c.170C>T on transcript NM_006361.6 (MANE Select); coding-DNA position 170, C replaced by T.
Protein change: p.Ala57Val; replaces alanine 57 with valine.
Molecular consequence: missense variant.
Genome position (GRCh38, 1-based): chr17:48,728,424, G>A on the plus strand (C>T on the coding strand, the complement: HOXB13 is on the minus strand). VCF-style: chr17-48728424-G-A. GRCh37 (hg19) VCF-style: chr17-46805786-G-A.
Other names: short protein forms A57V.
Identifiers: ClinVar variation 690589 (VCV000690589.15), dbSNP rs1597934926, ClinGen allele CA400108995.
Genomic context (GRCh38, chr17:48,728,424, plus strand): 5'-GGAGCTGGGGACGTCCCCTGGGGCACCCCAGGGCATGGGTGGCATTGCTTTGGCGGCTCC[G>A]CCGAGCCTGGCAGATCCAAGGGGGCATAGTTGACAGCAGGCATCAGCGTAGGCGCCGCTG-3'
Protein context (NP_006352.2, residues 47-67): NYAPLDLPGS[Ala57Val]EPPKQCHPCP